The following is an entry in ClinVar:

ClinVar aggregate classification (germline): Uncertain significance (1 of 4 stars; one submission).

Conditions:
Severe combined immunodeficiency due to DNA-PKcs deficiency. Also called: Immunodeficiency 26 with or without neurologic abnormalities; IMMUNODEFICIENCY 26 WITH NEUROLOGIC ABNORMALITIES. Identifiers: Orphanet 317425, MedGen C4014833, MONDO:0014423, OMIM 615966.

gnomAD v4.1: 12 of 1,605,258 alleles (0.00075%); highest among the groups gnomAD compares: Non-Finnish European, 0.001%; no homozygotes.

Submission:

Labcorp Genetics (formerly Invitae), Labcorp
Classification: Uncertain significance for Severe combined immunodeficiency due to DNA-PKcs deficiency. Last evaluated: 2021-01-10. Review status: criteria provided, single submitter. Criteria: Invitae Variant Classification Sherloc (09022015). Collection method: clinical testing. Allele origin: germline.
Comment: This sequence change replaces alanine with valine at codon 1308 of the PRKDC protein (p.Ala1308Val). The alanine residue is moderately conserved and there is a small physicochemical difference between alanine and valine. In summary, the available evidence is currently insufficient to determine the role of this variant in disease. Therefore, it has been classified as a Variant of Uncertain Significance. Experimental studies and prediction algorithms are not available or were not evaluated, and the functional significance of this variant is currently unknown. This variant has not been reported in the literature in individuals with PRKDC-related conditions. This variant is not present in population databases (ExAC no frequency).

NM_006904.7(PRKDC):c.3923C>T (p.Ala1308Val)

Gene: PRKDC (protein kinase, DNA-activated, catalytic subunit; minus strand). Cytogenetic location: 8q11.21.
Variant type: single nucleotide variant.
Coding change: c.3923C>T on transcript NM_006904.7 (MANE Select); coding-DNA position 3923, C replaced by T.
Protein change: p.Ala1308Val; replaces alanine 1308 with valine.
Molecular consequence: missense variant.
Genome position (GRCh38, 1-based): chr8:47,890,405, G>A on the plus strand (C>T on the coding strand, the complement: PRKDC is on the minus strand). VCF-style: chr8-47890405-G-A. GRCh37 (hg19) VCF-style: chr8-48802966-G-A.
Other names: c.3923C>T, p.Ala1308Val (NM_001081640.2); short protein forms A1308V.
Identifiers: ClinVar variation 1499660 (VCV001499660.6), dbSNP rs1386230829, ClinGen allele CA371148872.